The following is an entry in ClinVar:

NM_001379210.1(SLC25A26):c.301-157C>A

Gene: SLC25A26 (solute carrier family 25 member 26; plus strand). Cytogenetic location: 3p14.1.
Variant type: single nucleotide variant.
Coding change: c.301-157C>A on transcript NM_001379210.1 (MANE Select); 157 bases into the intron before coding-DNA position 301, C replaced by A.
Molecular consequence: intron variant.
Genome position (GRCh38, 1-based): chr3:66,261,894, C>A. VCF-style: chr3-66261894-C-A. GRCh37 (hg19) VCF-style: chr3-66312318-C-A.
Other names: c.301-157C>A (NM_173471.4); c.37-157C>A (NM_001350993.1, NM_001164796.1).
Identifiers: ClinVar variation 683897 (VCV000683897.1), dbSNP rs2306495, ClinGen allele CA11408400.

ClinVar aggregate classification (germline): Benign (1 of 4 stars; one submission).

Allele frequency attached by ClinVar (database versions not stated): TOPMed 0.14964; gnomAD 0.16059 and 0.16276; gnomAD exomes 0.16561; 1000 Genomes Project 30x 0.11040; 1000 Genomes Project 0.11162.
gnomAD v4.1: 24,398 of 151,530 alleles (16%); highest among the groups gnomAD compares: Non-Finnish European, 22%; 2,395 homozygotes.

Submission:

GeneDx
Classification: Benign. Last evaluated: 2018-06-14. Review status: criteria provided, single submitter. Criteria: GeneDx Variant Classification (06012015). Collection method: clinical testing. Allele origin: germline. Affected: yes.
Comment: This variant is considered likely benign or benign based on one or more of the following criteria: it is a conservative change, it occurs at a poorly conserved position in the protein, it is predicted to be benign by multiple in silico algorithms, and/or has population frequency not consistent with disease.